The following is an entry in ClinVar:

NM_019066.5(MAGEL2):c.2339C>T (p.Pro780Leu)

Gene: MAGEL2 (MAGE family member L2; minus strand). Cytogenetic location: 15q11.2.
Variant type: single nucleotide variant.
Coding change: c.2339C>T on transcript NM_019066.5 (MANE Select); coding-DNA position 2339, C replaced by T.
Protein change: p.Pro780Leu; replaces proline 780 with leucine.
Molecular consequence: missense variant.
Genome position (GRCh38, 1-based): chr15:23,645,404, G>A on the plus strand (C>T on the coding strand, the complement: MAGEL2 is on the minus strand). VCF-style: chr15-23645404-G-A. GRCh37 (hg19) VCF-style: chr15-23890551-G-A.
Other names: c.2339C>T (NM_019066.4); short protein forms P780L.
Identifiers: ClinVar variation 1970624 (VCV001970624.9), dbSNP rs747205153, ClinGen allele CA7429909.
Genomic context (GRCh38, chr15:23,645,404, plus strand): 5'-GAGGCAGGCTGAAACTGGGAGGTAGCTGGGAAGACACTTGAGGAGGGAGCAAAGGTCTCC[G>A]GTGTGGCAGGCAGGTTTTTCCAGGCAGCTGGCAGGTGTGCTCGCGCAGCTGACACTGCCT-3'
Protein context (NP_061939.3, residues 770-790): PAAWKNLPAT[Pro780Leu]ETFAPSSSVF

ClinVar aggregate classification (germline): Uncertain significance. Review status: criteria provided, multiple submitters, no conflicts (2 of 4 stars). 5 submissions from 5 submitters: Uncertain significance (5). Last evaluated 2026-08-20.

Conditions:
MAGEL2-related disorder. Also called: MAGEL2-related condition.
Inborn genetic diseases. Identifiers: MedGen C0950123, MeSH D030342.
Schaaf-Yang syndrome (SHFYNG). Also called: Arthrogryposis, distal, with hypopituitarism, intellectual disability, and facial anomalies; MAGEL2-related Prader-Willi-like syndrome. Identifiers: Orphanet 398069, MedGen C5575066, MONDO:0014243, OMIM 615547.

Allele frequency attached by ClinVar (database versions not stated): ExAC 0.00001; gnomAD 0.00001.
gnomAD v4.1: 13 of 1,613,904 alleles (0.00081%); highest among the groups gnomAD compares: South Asian, 0.0044%; no homozygotes.

Submissions (5):

PreventionGenetics, part of Exact Sciences
Classification: Uncertain significance for MAGEL2-related condition. Last evaluated: 2026-08-20. Review status: criteria provided, single submitter. Criteria: ACMG Guidelines, 2015. Collection method: clinical testing. Allele origin: germline.
Comment: The MAGEL2 c.2339C>T variant is predicted to result in the amino acid substitution p.Pro780Leu. To our knowledge, this variant has not been reported in the literature. This variant is reported in 0.0033% of alleles in individuals of South Asian descent in gnomAD. At this time, the clinical significance of this variant is uncertain due to the absence of conclusive functional and genetic evidence.

Labcorp Genetics (formerly Invitae), Labcorp
Classification: Uncertain significance. Last evaluated: 2026-01-24. Review status: criteria provided, single submitter. Criteria: Invitae Variant Classification Sherloc (09022015). Collection method: clinical testing. Allele origin: germline.
Comment: This sequence change replaces proline, which is neutral and non-polar, with leucine, which is neutral and non-polar, at codon 780 of the MAGEL2 protein (p.Pro780Leu). This variant is present in population databases (rs747205153, gnomAD 0.003%). This variant has not been reported in the literature in individuals affected with MAGEL2-related conditions. ClinVar contains an entry for this variant (Variation ID: 1970624). Invitae Evidence Modeling of protein sequence and biophysical properties (such as structural, functional, and spatial information, amino acid conservation, physicochemical variation, residue mobility, and thermodynamic stability) indicates that this missense variant is not expected to disrupt MAGEL2 protein function with a negative predictive value of 80%. In summary, the available evidence is currently insufficient to determine the role of this variant in disease. Therefore, it has been classified as a Variant of Uncertain Significance.

Revvity Omics, Revvity
Classification: Uncertain significance for Schaaf-Yang syndrome. Last evaluated: 2025-06-13. Review status: criteria provided, single submitter. Criteria: ACMG Guidelines, 2015. Collection method: clinical testing. Allele origin: germline.

Women's Health and Genetics/Laboratory Corporation of America, LabCorp
Classification: Uncertain significance. Last evaluated: 2024-12-12. Review status: criteria provided, single submitter. Criteria: LabCorp Variant Classification Summary - May 2015. Collection method: clinical testing. Allele origin: germline.
Comment: Variant summary: MAGEL2 c.2339C>T (p.Pro780Leu) results in a non-conservative amino acid change in the encoded protein sequence. Two of three in-silico tools predict a damaging effect of the variant on protein function. The variant allele was found at a frequency of 8e-06 in 249058 control chromosomes (gnomAD). The available data on variant occurrences in the general population are insufficient to allow any conclusion about variant significance. To our knowledge, no occurrence of c.2339C>T in individuals affected with Schaaf-Yang Syndrome and no experimental evidence demonstrating its impact on protein function have been reported. ClinVar contains an entry for this variant (Variation ID: 1970624). Based on the evidence outlined above, the variant was classified as uncertain significance.

Ambry Genetics
Classification: Uncertain significance for Inborn genetic diseases. Last evaluated: 2024-12-09. Review status: criteria provided, single submitter. Criteria: Ambry Variant Classification Scheme 2023. Collection method: clinical testing. Allele origin: germline.